The following is an entry in ClinVar:

NM_018249.6(CDK5RAP2):c.1097C>A (p.Ser366Tyr)

Gene: CDK5RAP2 (CDK5 regulatory subunit associated protein 2; minus strand). Cytogenetic location: 9q33.2.
Variant type: single nucleotide variant.
Coding change: c.1097C>A on transcript NM_018249.6 (MANE Select); coding-DNA position 1097, C replaced by A.
Protein change: p.Ser366Tyr; replaces serine 366 with tyrosine.
Molecular consequence: missense variant. On other transcripts: non-coding transcript variant (5).
Genome position (GRCh38, 1-based): chr9:120,518,641, G>T on the plus strand (C>A on the coding strand, the complement: CDK5RAP2 is on the minus strand). VCF-style: chr9-120518641-G-T. GRCh37 (hg19) VCF-style: chr9-123280919-G-T.
Other names: c.1097C>A, p.Ser366Tyr (NM_001011649.3, NM_001272039.2, NM_001410992.1 and 2 more transcripts); short protein forms S366Y.
Identifiers: ClinVar variation 2962635 (VCV002962635.3), dbSNP rs186482189, ClinGen allele CA5214495.
Genomic context (GRCh38, chr9:120,518,641, plus strand): 5'-TGTGAGCGCAGCGCAGCCGAAAGGGCTTCCTTTCCTGATAGAGCAGTCTCATAGTCTTCA[G>T]ACCCCTAGAAGAGAAGGCAGAGAAGCAAGATGAGCTAATTTTCATACCTCATGAAACAAA-3'
Protein context (NP_060719.4, residues 356-376): QKAQTQEFQG[Ser366Tyr]EDYETALSGK

ClinVar aggregate classification (germline): Uncertain significance (1 of 4 stars; one submission).

Allele frequency attached by ClinVar (database versions not stated): gnomAD exomes 0.00001; ExAC 0.00002; TOPMed 0.00002; gnomAD 0.00003; 1000 Genomes Project 30x 0.00016; 1000 Genomes Project 0.00020.
gnomAD v4.1: 13 of 1,613,210 alleles (0.00081%); highest among the groups gnomAD compares: East Asian, 0.025%; no homozygotes.

Submission:

Labcorp Genetics (formerly Invitae), Labcorp
Classification: Uncertain significance. Last evaluated: 2024-10-14. Review status: criteria provided, single submitter. Criteria: Invitae Variant Classification Sherloc (09022015). Collection method: clinical testing. Allele origin: germline.
Comment: This sequence change replaces serine, which is neutral and polar, with tyrosine, which is neutral and polar, at codon 366 of the CDK5RAP2 protein (p.Ser366Tyr). This variant is present in population databases (rs186482189, gnomAD 0.05%). This variant has not been reported in the literature in individuals affected with CDK5RAP2-related conditions. An algorithm developed to predict the effect of missense changes on protein structure and function (PolyPhen-2) suggests that this variant is likely to be tolerated. In summary, the available evidence is currently insufficient to determine the role of this variant in disease. Therefore, it has been classified as a Variant of Uncertain Significance.